The following is an entry in ClinVar:

NM_022114.4(PRDM16):c.534C>A (p.Cys178Ter)

Gene: PRDM16 (PR/SET domain 16; plus strand). Cytogenetic location: 1p36.32.
Variant type: single nucleotide variant.
Coding change: c.534C>A on transcript NM_022114.4 (MANE Select); coding-DNA position 534, C replaced by A.
Protein change: p.Cys178Ter; replaces cysteine 178 with a stop codon.
Molecular consequence: nonsense.
Genome position (GRCh38, 1-based): chr1:3,385,247, C>A. VCF-style: chr1-3385247-C-A. GRCh37 (hg19) VCF-style: chr1-3301811-C-A.
Other names: c.534C>A, p.Cys178Ter (NM_199454.3); short protein forms C178*.
Identifiers: ClinVar variation 1029845 (VCV001029845.1), dbSNP rs1643176372, ClinGen allele CA338000734.

ClinVar aggregate classification (germline): Pathogenic (1 of 4 stars; one submission).

Conditions:
Left ventricular noncompaction 8 (LVNC8). Identifiers: Orphanet 154, Orphanet 54260, MedGen C3809288, MONDO:0014152, OMIM 615373.

Submission:

Baylor Genetics
Classification: Pathogenic for Left ventricular noncompaction 8. Last evaluated: 2020-04-05. Review status: criteria provided, single submitter. Criteria: ACMG Guidelines, 2015. Collection method: clinical testing. Allele origin: unknown. Affected: yes.
Comment: This variant was determined to be pathogenic according to ACMG Guidelines, 2015 [PMID:25741868].